The following is an entry in ClinVar:

NM_000093.5(COL5A1):c.1089C>G (p.Asn363Lys)

Gene: COL5A1 (collagen type V alpha 1 chain; plus strand). Cytogenetic location: 9q34.3.
Variant type: single nucleotide variant.
Coding change: c.1089C>G on transcript NM_000093.5 (MANE Select); coding-DNA position 1089, C replaced by G.
Protein change: p.Asn363Lys; replaces asparagine 363 with lysine.
Molecular consequence: missense variant.
Genome position (GRCh38, 1-based): chr9:134,730,400, C>G. VCF-style: chr9-134730400-C-G. GRCh37 (hg19) VCF-style: chr9-137622246-C-G.
Other names: p.N363K:AAC>AAG; c.1089C>G, p.Asn363Lys (NM_001278074.1); short protein forms N363K.
Identifiers: ClinVar variation 219283 (VCV000219283.5), dbSNP rs773870913, ClinGen allele CA339719.

ClinVar aggregate classification (germline): Uncertain significance. Review status: criteria provided, multiple submitters, no conflicts (2 of 4 stars). 2 submissions from 2 submitters: Uncertain significance (2). Last evaluated 2024-05-26.

Conditions:
Ehlers-Danlos syndrome, classic type, 1 (EDSCL1). Also called: Ehlers-Danlos Syndrome, Classic Type, COL5A1-Related; EHLERS-DANLOS SYNDROME, GRAVIS TYPE; EHLERS-DANLOS SYNDROME, SEVERE CLASSIC TYPE; Ehlers-Danlos syndrome, type 1; EDS I. Identifiers: MedGen C0268335, MONDO:0019567, OMIM 130000.

Allele frequency attached by ClinVar (database versions not stated): TOPMed 0.00001; gnomAD 0.00001.
gnomAD v4.1: 3 of 1,614,104 alleles (0.00019%); highest among the groups gnomAD compares: Non-Finnish European, 0.00025%; no homozygotes.

Submissions (2):

Labcorp Genetics (formerly Invitae), Labcorp
Classification: Uncertain significance for Ehlers-Danlos syndrome, classic type, 1. Last evaluated: 2024-05-26. Review status: criteria provided, single submitter. Criteria: Invitae Variant Classification Sherloc (09022015). Collection method: clinical testing. Allele origin: germline.
Comment: This sequence change replaces asparagine, which is neutral and polar, with lysine, which is basic and polar, at codon 363 of the COL5A1 protein (p.Asn363Lys). This variant is not present in population databases (gnomAD no frequency). This missense change has been observed in individual(s) with classical Ehlers-Danlos syndrome (PMID: 30858776). ClinVar contains an entry for this variant (Variation ID: 219283). Advanced modeling of protein sequence and biophysical properties (such as structural, functional, and spatial information, amino acid conservation, physicochemical variation, residue mobility, and thermodynamic stability) performed at Invitae indicates that this missense variant is not expected to disrupt COL5A1 protein function with a negative predictive value of 95%. In summary, the available evidence is currently insufficient to determine the role of this variant in disease. Therefore, it has been classified as a Variant of Uncertain Significance.

GeneDx
Classification: Uncertain significance. Last evaluated: 2022-10-31. Review status: criteria provided, single submitter. Criteria: GeneDx Variant Classification Process June 2021. Collection method: clinical testing. Allele origin: germline. Affected: yes.
Comment: Reported in a mother and daughter with features of cEDS in published literature (Junkiert-Czarnecka et al., 2019); Not observed at significant frequency in large population cohorts (gnomAD); Not located in the triple helical region, where the majority of pathogenic missense variants occur (Symoens et al., 2012; HGMD); In silico analysis supports that this missense variant does not alter protein structure/function; This variant is associated with the following publications: (PMID: 22696272, 35723357, 30858776)

Literature cited by the submitters: PubMed 30858776 (cited by Labcorp Genetics (formerly Invitae), Labcorp).